The following is an entry in ClinVar:

NM_020937.4(FANCM):c.4673-1G>A

Gene: FANCM (FA complementation group M; plus strand). Cytogenetic location: 14q21.2.
Variant type: single nucleotide variant.
Coding change: c.4673-1G>A on transcript NM_020937.4 (MANE Select); the canonical splice acceptor site of the intron before coding-DNA position 4673, G replaced by A.
Molecular consequence: splice acceptor variant.
Genome position (GRCh38, 1-based): chr14:45,187,780, G>A. VCF-style: chr14-45187780-G-A. GRCh37 (hg19) VCF-style: chr14-45656983-G-A.
Other names: c.4595-1G>A (NM_001308133.2).
Identifiers: ClinVar variation 2726370 (VCV002726370.3), dbSNP rs2503238068, ClinGen allele CA389609698.
Genomic context (GRCh38, chr14:45,187,780, plus strand): 5'-ACTTTACTGGTTTTCATTTAAATAATTTTGCTAATTTATCTAAATTCTTATCTTTACACA[G>A]ATTCTGAAATGAGAGCTATTTACATGAAATCTTTGCGTAGTCCAATGATGAACAATAAGT-3'

ClinVar aggregate classification (germline): Likely pathogenic (1 of 4 stars; one submission).

Conditions:
Fanconi anemia (FA). Also called: Fanconi's anemia. Identifiers: Orphanet 84, MedGen C0015625, MeSH D005199, MONDO:0019391.

Allele frequency attached by ClinVar (database versions not stated): gnomAD exomes below 0.00001.
gnomAD v4.1: 1 of 1,441,862 alleles (0.000069%); highest among the groups gnomAD compares: Non-Finnish European, 0.000098%; no homozygotes.

Submission:

Labcorp Genetics (formerly Invitae), Labcorp
Classification: Likely pathogenic for Fanconi anemia. Last evaluated: 2023-02-14. Review status: criteria provided, single submitter. Criteria: Invitae Variant Classification Sherloc (09022015). Collection method: clinical testing. Allele origin: germline.
Comment: This sequence change affects an acceptor splice site in intron 18 of the FANCM gene. It is expected to disrupt RNA splicing. Variants that disrupt the donor or acceptor splice site typically lead to a loss of protein function (PMID: 16199547), and loss-of-function variants in FANCM are known to be pathogenic (PMID: 29895858, 30075111). This variant is not present in population databases (gnomAD no frequency). This variant has not been reported in the literature in individuals affected with FANCM-related conditions. Algorithms developed to predict the effect of sequence changes on RNA splicing suggest that this variant may disrupt the consensus splice site. In summary, the currently available evidence indicates that the variant is pathogenic, but additional data are needed to prove that conclusively. Therefore, this variant has been classified as Likely Pathogenic.

Literature cited by the submitters: PubMed 16199547; PubMed 29895858; PubMed 30075111.